The following is an entry in ClinVar:

NM_001363.5(DKC1):c.985G>A (p.Val329Ile)

Gene: DKC1 (dyskerin pseudouridine synthase 1; plus strand). Cytogenetic location: Xq28.
Variant type: single nucleotide variant.
Coding change: c.985G>A on transcript NM_001363.5 (MANE Select); coding-DNA position 985, G replaced by A.
Protein change: p.Val329Ile; replaces valine 329 with isoleucine.
Molecular consequence: missense variant. On other transcripts: non-coding transcript variant (3).
Genome position (GRCh38, 1-based): chrX:154,770,828, G>A. VCF-style: chrX-154770828-G-A. GRCh37 (hg19) VCF-style: chrX-153999103-G-A.
Other names: c.985G>A, p.Val329Ile (NM_001142463.3, NM_001288747.2); short protein forms V329I.
Identifiers: ClinVar variation 1006833 (VCV001006833.6), dbSNP rs2071814456, ClinGen allele CA414894265.
Genomic context (GRCh38, chrX:154,770,828, plus strand): 5'-ATCTGCTATGGGGCCAAGATTATGCTTCCAGGTGTTCTTCGATATGAGGACGGCATTGAG[G>A]TCAATCAGGAGATTGTGGTTATCACCACCAAAGGAGAAGCAATCTGCATGGGTAAGAGGG-3'
Protein context (NP_001354.1, residues 319-339): GVLRYEDGIE[Val329Ile]NQEIVVITTK

ClinVar aggregate classification (germline): Uncertain significance (1 of 4 stars; one submission).

Conditions:
Dyskeratosis congenita. Identifiers: Orphanet 1775, MedGen C0265965, MONDO:0015780.

Submission:

Labcorp Genetics (formerly Invitae), Labcorp
Classification: Uncertain significance for Dyskeratosis congenita. Last evaluated: 2021-08-28. Review status: criteria provided, single submitter. Criteria: Invitae Variant Classification Sherloc (09022015). Collection method: clinical testing. Allele origin: germline.
Comment: This sequence change replaces valine with isoleucine at codon 329 of the DKC1 protein (p.Val329Ile). The valine residue is moderately conserved and there is a small physicochemical difference between valine and isoleucine. This variant is not present in population databases (ExAC no frequency). This variant has not been reported in the literature in individuals affected with DKC1-related conditions. Algorithms developed to predict the effect of missense changes on protein structure and function (SIFT, PolyPhen-2, Align-GVGD) all suggest that this variant is likely to be tolerated. In summary, the available evidence is currently insufficient to determine the role of this variant in disease. Therefore, it has been classified as a Variant of Uncertain Significance.